The following is an entry in ClinVar:

NM_001369.3(DNAH5):c.980G>A (p.Trp327Ter)

Gene: DNAH5 (dynein axonemal heavy chain 5; minus strand). Cytogenetic location: 5p15.2.
Variant type: single nucleotide variant.
Coding change: c.980G>A on transcript NM_001369.3 (MANE Select); coding-DNA position 980, G replaced by A.
Protein change: p.Trp327Ter; replaces tryptophan 327 with a stop codon.
Molecular consequence: nonsense.
Genome position (GRCh38, 1-based): chr5:13,917,252, C>T on the plus strand (G>A on the coding strand, the complement: DNAH5 is on the minus strand). VCF-style: chr5-13917252-C-T. GRCh37 (hg19) VCF-style: chr5-13917361-C-T.
Other names: c.980G>A (NM_001369.2); short protein forms W327*.
Identifiers: ClinVar variation 1072105 (VCV001072105.8), dbSNP rs1776744623, ClinGen allele CA359218234.

ClinVar aggregate classification (germline): Pathogenic/Likely pathogenic. Review status: criteria provided, multiple submitters, no conflicts (2 of 4 stars). 2 submissions from 2 submitters: Pathogenic (1); Likely pathogenic (1). Last evaluated 2025-06-26.

Conditions:
Primary ciliary dyskinesia. Also called: Ciliary dyskinesia. Identifiers: Orphanet 244, MedGen C0008780, MONDO:0016575, HP:0012265.

Submissions (2):

Natera, Inc.
Classification: Likely pathogenic for Primary ciliary dyskinesia. Last evaluated: 2025-06-26. Review status: criteria provided, single submitter. Criteria: Natera Variant Classification Schema (03/2026). Collection method: clinical testing. Allele origin: germline.
Comment: The c.980G>A variant in DNAH5 is a nonsense variant predicted to introduce a stop codon at amino acid 327. This variant is expected to result in nonsense mediated decay, truncation, or a dysfunctional protein product. This variant is rare in the general population with a frequency below the threshold expected for the associated phenotype(s). Given the available evidence, this variant is classified as Likely Pathogenic.

Labcorp Genetics (formerly Invitae), Labcorp
Classification: Pathogenic for Primary ciliary dyskinesia. Last evaluated: 2023-02-08. Review status: criteria provided, single submitter. Criteria: Invitae Variant Classification Sherloc (09022015). Collection method: clinical testing. Allele origin: germline.
Comment: This sequence change creates a premature translational stop signal (p.Trp327*) in the DNAH5 gene. It is expected to result in an absent or disrupted protein product. Loss-of-function variants in DNAH5 are known to be pathogenic (PMID: 11788826, 16627867). This variant is not present in population databases (gnomAD no frequency). This variant has not been reported in the literature in individuals affected with DNAH5-related conditions. ClinVar contains an entry for this variant (Variation ID: 1072105). For these reasons, this variant has been classified as Pathogenic.

Literature cited by the submitters: PubMed 11788826 (cited by Labcorp Genetics (formerly Invitae), Labcorp); PubMed 16627867 (cited by Labcorp Genetics (formerly Invitae), Labcorp).